The following is an entry in ClinVar:

NM_007294.4(BRCA1):c.5157G>C (p.Val1719=)

Gene: BRCA1 (BRCA1 DNA repair associated; minus strand). Cytogenetic location: 17q21.31.
Variant type: single nucleotide variant.
Coding change: c.5157G>C on transcript NM_007294.4 (MANE Select); coding-DNA position 5157, G replaced by C.
Protein change: p.Val1719=; no amino-acid change (valine 1719 retained).
Molecular consequence: synonymous variant.
Genome position (GRCh38, 1-based): chr17:43,063,369, C>G on the plus strand (G>C on the coding strand, the complement: BRCA1 is on the minus strand). VCF-style: chr17-43063369-C-G. GRCh37 (hg19) VCF-style: chr17-41215386-C-G.
Other names: c.1725G>C, p.Val575= (NM_001408429.1, NM_001408430.1, NM_001408431.1 and 4 more transcripts); c.1722G>C, p.Val574= (NM_001408432.1, NM_001408433.1, NM_001408434.1 and 10 more transcripts); c.1719G>C, p.Val573= (NM_001408445.1, NM_001408446.1, NM_001408447.1 and 2 more transcripts); c.1713G>C, p.Val571= (NM_001408451.1); c.1707G>C, p.Val569= (NM_001408452.1, NM_001408453.1, NM_001408454.1 and 3 more transcripts); c.1704G>C, p.Val568= (NM_001408458.1, NM_001408459.1, NM_001408460.1 and 7 more transcripts); c.1701G>C, p.Val567= (NM_001408468.1, NM_001408469.1, NM_001408470.1); c.1845G>C, p.Val615= (NM_001408472.1, NM_007298.4, NM_007299.4 and 13 more transcripts); and 72 more.
Identifiers: ClinVar variation 867428 (VCV000867428.3), dbSNP rs28897697, ClinGen allele CA500146058.

Conditions:
Breast-ovarian cancer, familial, susceptibility to, 1 (BROVCA1). Also called: BRCA1 Hereditary Breast and Ovarian Cancer; OVARIAN CANCER, SUSCEPTIBILITY TO. Identifiers: Orphanet 145, MedGen C2676676, MONDO:0011450, OMIM 604370. Disease mechanism: loss of function.

Submission:

Brotman Baty Institute, University of Washington
No classification provided (evidence only). Condition: Breast-ovarian cancer, familial 1. Review status: no classification provided. Collection method: in vitro. Allele origin: not applicable. Functional consequence: functionally_normal.
ClinVar note: "not provided" was previously submitted as the classification for the variant. However, the classification appeared to be based only on an observation of functional data so it was converted to no classification on 2025-07-30.